The following is an entry in ClinVar:

NM_000182.5(HADHA):c.1513A>T (p.Lys505Ter)

Genes: HADHA (hydroxyacyl-CoA dehydrogenase trifunctional multienzyme complex subunit alpha; minus strand), GAREM2 (GRB2 associated regulator of MAPK1 subtype 2; plus strand). Cytogenetic location: 2p23.3.
Variant type: single nucleotide variant.
Coding change: c.1513A>T on transcript NM_000182.5 (MANE Select); coding-DNA position 1513, A replaced by T.
Protein change: p.Lys505Ter; replaces lysine 505 with a stop codon.
Molecular consequence: nonsense.
Genome position (GRCh38, 1-based): chr2:26,195,199, T>A on the plus strand (A>T on the coding strand, the complement: HADHA is on the minus strand). VCF-style: chr2-26195199-T-A. GRCh37 (hg19) VCF-style: chr2-26418068-T-A.
Other names: short protein forms K505*.
Identifiers: ClinVar variation 984355 (VCV000984355.4), dbSNP rs1669632177, ClinGen allele CA346121728.

ClinVar aggregate classification (germline): Likely pathogenic (1 of 4 stars; one submission).

Conditions:
Long chain 3-hydroxyacyl-CoA dehydrogenase deficiency. Also called: LCHAD Deficiency; Deficiency of long-chain 3-hydroxyacyl-coenzyme A dehydrogenase. Identifiers: Orphanet 5, MedGen C3711645, MONDO:0012173, OMIM 609016.

Submission:

Myriad Genetics, Inc.
Classification: Likely pathogenic for Long chain 3-hydroxyacyl-CoA dehydrogenase deficiency. Last evaluated: 2019-12-14. Review status: criteria provided, single submitter. Criteria: Myriad Autosomal Dominant, Autosomal Recessive and X-Linked Classification Criteria (2023). Collection method: clinical testing. Allele origin: unknown.
Comment: NM_000182.4(HADHA):c.1513A>T(K505*) is expected to be pathogenic in the context of HADHA-related disorders. This variant is predicted to lead to an abnormal or absent protein product due to the creation of a premature termination codon in HADHA, a gene where loss-of-function variants are known to be pathogenic. Please note: this variant was assessed in the context of healthy population screening.